The following is an entry in ClinVar:

NM_017617.5(NOTCH1):c.5059_5061del (p.Gln1687del)

Gene: NOTCH1 (notch receptor 1; minus strand). Cytogenetic location: 9q34.3.
Variant type: Deletion.
Coding change: c.5059_5061del on transcript NM_017617.5 (MANE Select); coding-DNA positions 5059 to 5061, 3 bases deleted (CAG; older notation c.5059_5061delCAG).
Protein change: p.Gln1687del; deletes glutamine 1687.
Molecular consequence: inframe deletion.
Genome position (GRCh38, 1-based): chr9:136,503,288-136,503,290, CTG deleted on the plus strand (CAG on the coding strand, the reverse complement: NOTCH1 is on the minus strand); deleting any 3 consecutive bases within chr9:136,503,288-136,503,291 gives the same sequence; the c. name uses the placement nearest the transcript's 3' end. VCF-style (leftmost placement, unchanged base first): chr9-136503287-CCTG-C. GRCh37 (hg19) VCF-style: chr9-139397739-CCTG-C.
Other names: short protein forms Q1687del.
Identifiers: ClinVar variation 4724708 (VCV004724708.1).

ClinVar aggregate classification (germline): Uncertain significance (1 of 4 stars; one submission).

Conditions:
Adams-Oliver syndrome 5 (AOS5). Identifiers: Orphanet 974, MedGen C4014970, MONDO:0014459, OMIM 616028.

Submission:

Labcorp Genetics (formerly Invitae), Labcorp
Classification: Uncertain significance for Adams-Oliver syndrome 5. Last evaluated: 2025-08-11. Review status: criteria provided, single submitter. Criteria: Invitae Variant Classification Sherloc (09022015). Collection method: clinical testing. Allele origin: germline.
Comment: This variant, c.5059_5061del, results in the deletion of 1 amino acid(s) of the NOTCH1 protein (p.Gln1687del), but otherwise preserves the integrity of the reading frame. This variant is not present in population databases (gnomAD no frequency). This variant has not been reported in the literature in individuals affected with NOTCH1-related conditions. Experimental studies and prediction algorithms are not available or were not evaluated, and the functional significance of this variant is currently unknown. In summary, the available evidence is currently insufficient to determine the role of this variant in disease. Therefore, it has been classified as a Variant of Uncertain Significance.